The following is an entry in ClinVar:

ClinVar aggregate classification (germline): Pathogenic/Likely pathogenic. Review status: criteria provided, multiple submitters, no conflicts (2 of 4 stars). 5 submissions from 5 submitters: Pathogenic (2); Likely pathogenic (3). Last evaluated 2025-07-07.

Conditions:
Dilated cardiomyopathy 1X (CMD1X). Also called: FKTN-Related Dilated Cardiomyopathy; CARDIOMYOPATHY, DILATED, WITH MILD OR NO PROXIMAL MUSCLE WEAKNESS. Identifiers: Orphanet 154, MedGen C1969024, MONDO:0012704, OMIM 611615.
Walker-Warburg congenital muscular dystrophy. Also called: Muscular dystrophy-dystroglycanopathy, type A; Walker-Warburg syndrome. Identifiers: Orphanet 899, MedGen C0265221, MONDO:0000171.
Muscular dystrophy-dystroglycanopathy (congenital with brain and eye anomalies), type A, 4 (MDDGA4). Also called: Fukuyama congenital muscular dystrophy; Walker-Warburg Syndrome, Fktn-Related; Congenital muscular dystrophy-dystroglycanopathy with brain and eye anomalies, type A4; WALKER-WARBURG SYNDROME OR MUSCLE-EYE-BRAIN DISEASE, FKTN-RELATED; Muscular dystrophy, congenital progressive, with mental retardation; Muscular dystrophy, congenital, with central nervous system involvement. Identifiers: Orphanet 272, Orphanet 588, Orphanet 899, MedGen C0410174, MONDO:0009678, OMIM 253800.
Autosomal recessive limb-girdle muscular dystrophy type 2M. Also called: MUSCULAR DYSTROPHY, LIMB-GIRDLE, TYPE 2M; MUSCULAR DYSTROPHY-DYSTROGLYCANOPATHY (LIMB-GIRDLE), TYPE C, 4. Identifiers: Orphanet 206554, MedGen C1969040, MONDO:0012699, OMIM 611588.
Muscular dystrophy-dystroglycanopathy (congenital without impaired intellectual development), type B, 4. Also called: MUSCULAR DYSTROPHY, CONGENITAL, FKTN-RELATED; Muscular dystrophy-dystroglycanopathy (congenital without intellectual disability), type B4. Identifiers: MedGen C2751052, MONDO:0013156, OMIM 613152.
FKTN-related disorder. Also called: FKTN-related condition; FKTN-related disorders.

Submissions (5):

Natera, Inc.
Classification: Likely pathogenic for Walker-Warburg congenital muscular dystrophy. Last evaluated: 2025-07-07. Review status: criteria provided, single submitter. Criteria: Natera Variant Classification Schema (03/2026). Collection method: clinical testing. Allele origin: germline.
Comment: The c.329_330delTT variant in FKTN is a frameshift variant predicted to shift the reading frame beginning at codon 110 and leads to a stop codon 13 codons downstream. This variant is expected to result in nonsense mediated decay, truncation, or a dysfunctional protein product. This variant is rare in the general population with a frequency below the threshold expected for the associated phenotype(s). Given the available evidence, this variant is classified as Likely Pathogenic.

Fulgent Genetics
Classification: Likely pathogenic for Muscular dystrophy-dystroglycanopathy (congenital with brain and eye anomalies), type A, 4; Autosomal recessive limb-girdle muscular dystrophy type 2M; Dilated cardiomyopathy 1X; Muscular dystrophy-dystroglycanopathy (congenital without impaired intellectual development), type B, 4. Last evaluated: 2024-05-09. Review status: criteria provided, single submitter. Criteria: ACMG Guidelines, 2015. Collection method: clinical testing. Allele origin: germline.

Baylor Genetics
Classification: Likely pathogenic for Dilated cardiomyopathy 1X. Last evaluated: 2024-03-09. Review status: criteria provided, single submitter. Criteria: ACMG Guidelines, 2015. Collection method: clinical testing. Allele origin: unknown.

Labcorp Genetics (formerly Invitae), Labcorp
Classification: Pathogenic for Walker-Warburg congenital muscular dystrophy. Last evaluated: 2023-10-28. Review status: criteria provided, single submitter. Criteria: Invitae Variant Classification Sherloc (09022015). Collection method: clinical testing. Allele origin: germline.
Comment: This sequence change creates a premature translational stop signal (p.Phe110Tyrfs*13) in the FKTN gene. It is expected to result in an absent or disrupted protein product. Loss-of-function variants in FKTN are known to be pathogenic (PMID: 17044012, 17878207, 18752264). This variant is present in population databases (no rsID available, gnomAD 0.006%). This variant has not been reported in the literature in individuals affected with FKTN-related conditions. ClinVar contains an entry for this variant (Variation ID: 844703). For these reasons, this variant has been classified as Pathogenic.

PreventionGenetics, part of Exact Sciences
Classification: Pathogenic for FKTN-related condition. Last evaluated: 2022-11-14. Review status: criteria provided, single submitter. Criteria: ACMG Guidelines, 2015. Collection method: clinical testing. Allele origin: germline.
Comment: The FKTN c.329_330delTT variant is predicted to result in a frameshift and premature protein termination (p.Phe110Tyrfs*13). This variant was reported in an individual with dilated cardiomyopathy; however, it was not clear whether one or two variant alleles were detected and no additional information was provided to support causation (Mazzarotto et al 2020. PubMed ID: 31983221, Table S3). This variant is reported in 0.0065% of alleles in individuals of South Asian descent in gnomAD. Frameshift variants in FKTN are expected to be pathogenic for autosomal recessive disease. This variant is interpreted as pathogenic.

Literature cited by the submitters: PubMed 17044012 (cited by Labcorp Genetics (formerly Invitae), Labcorp); PubMed 17878207 (cited by Labcorp Genetics (formerly Invitae), Labcorp); PubMed 18752264 (cited by Labcorp Genetics (formerly Invitae), Labcorp).

NM_001079802.2(FKTN):c.329_330del (p.Phe110fs)

Gene: FKTN (fukutin; plus strand). Cytogenetic location: 9q31.2.
Variant type: Deletion.
Coding change: c.329_330del on transcript NM_001079802.2 (MANE Select); coding-DNA positions 329 to 330, 2 bases deleted (TT; older notation c.329_330delTT).
Protein change: p.Phe110fs; shifts the reading frame from phenylalanine 110.
Molecular consequence: frameshift variant. On other transcripts: 5 prime UTR variant (4), non-coding transcript variant (2).
Genome position (GRCh38, 1-based): chr9:105,601,308-105,601,309, TT deleted; deleting any 2 consecutive bases within chr9:105,601,307-105,601,309 gives the same sequence; the c. name uses the placement nearest the transcript's 3' end. VCF-style (leftmost placement, unchanged base first): chr9-105601306-CTT-C. GRCh37 (hg19) VCF-style: chr9-108363587-CTT-C.
Other names: c.329_330delTT (NM_001079802.1); c.329_330del, p.Phe110fs (NM_001198963.2, NM_001351496.2, NM_001351498.2 and 1 more transcripts); c.260_261del, p.Phe87fs (NM_001351497.2); c.-186_-185del (NM_001351499.2, NM_001351500.2, NM_001351501.2 and 1 more transcripts); short protein forms F87fs, F110fs.
Identifiers: ClinVar variation 844703 (VCV000844703.11), dbSNP rs767865405, ClinGen allele CA590046765.